The following is an entry in ClinVar:

NM_001035.3(RYR2):c.6212A>C (p.Gln2071Pro)

Gene: RYR2 (ryanodine receptor 2; plus strand). Cytogenetic location: 1q43.
Variant type: single nucleotide variant.
Coding change: c.6212A>C on transcript NM_001035.3 (MANE Select); coding-DNA position 6212, A replaced by C.
Protein change: p.Gln2071Pro; replaces glutamine 2071 with proline.
Molecular consequence: missense variant.
Genome position (GRCh38, 1-based): chr1:237,627,852, A>C. VCF-style: chr1-237627852-A-C. GRCh37 (hg19) VCF-style: chr1-237791152-A-C.
Other names: short protein forms Q2071P.
Identifiers: ClinVar variation 922518 (VCV000922518.7), dbSNP rs1426800953, ClinGen allele CA345410491.

ClinVar aggregate classification (germline): Uncertain significance. Review status: criteria provided, multiple submitters, no conflicts (2 of 4 stars). 3 submissions from 3 submitters: Uncertain significance (3). Last evaluated 2025-06-01.

Conditions:
Catecholaminergic polymorphic ventricular tachycardia (CVPT). Also called: Catecholamine-induced polymorphic ventricular tachycardia. Identifiers: Orphanet 3286, MedGen C5574922, MONDO:0017990.
Cardiomyopathy (CMYO). Also called: Cardiomyopathies. Identifiers: Orphanet 167848, MedGen C0878544, MONDO:0004994, HP:0001638. Inheritance: Various modes of inheritance.
Catecholaminergic polymorphic ventricular tachycardia 1. Also called: VENTRICULAR TACHYCARDIA, CATECHOLAMINERGIC POLYMORPHIC, 1, WITH OR WITHOUT ATRIAL DYSFUNCTION AND/OR DILATED CARDIOMYOPATHY; RYR2-Related Catecholaminergic Polymorphic Ventricular Tachycardia; VENTRICULAR TACHYCARDIA, STRESS-INDUCED POLYMORPHIC 1. Identifiers: Orphanet 3286, MedGen C1631597, MONDO:0011484, OMIM 604772.

Allele frequency attached by ClinVar (database versions not stated): gnomAD exomes below 0.00001; TOPMed 0.00001.
gnomAD v4.1: 1 of 1,613,358 alleles (0.000062%); highest among the groups gnomAD compares: Non-Finnish European, 0.000085%; no homozygotes.

Submissions (3):

Labcorp Genetics (formerly Invitae), Labcorp
Classification: Uncertain significance for Catecholaminergic polymorphic ventricular tachycardia 1. Last evaluated: 2025-06-01. Review status: criteria provided, single submitter. Criteria: Invitae Variant Classification Sherloc (09022015). Collection method: clinical testing. Allele origin: germline.
Comment: This sequence change replaces glutamine, which is neutral and polar, with proline, which is neutral and non-polar, at codon 2071 of the RYR2 protein (p.Gln2071Pro). This variant is not present in population databases (gnomAD no frequency). This variant has not been reported in the literature in individuals affected with RYR2-related conditions. ClinVar contains an entry for this variant (Variation ID: 922518). Invitae Evidence Modeling of protein sequence and biophysical properties (such as structural, functional, and spatial information, amino acid conservation, physicochemical variation, residue mobility, and thermodynamic stability) has been performed for this missense variant. However, the output from this modeling did not meet the statistical confidence thresholds required to predict the impact of this variant on RYR2 protein function. In summary, the available evidence is currently insufficient to determine the role of this variant in disease. Therefore, it has been classified as a Variant of Uncertain Significance.

All of Us Research Program, National Institutes of Health
Classification: Uncertain significance for Catecholaminergic polymorphic ventricular tachycardia. Last evaluated: 2023-10-27. Review status: criteria provided, single submitter. Criteria: ACMG Guidelines, 2015. Collection method: clinical testing. Allele origin: germline. Inheritance: Autosomal dominant inheritance. Observed: 3 variant alleles, 3 heterozygotes.
Comment: This variant is located in the RYR2 protein. Computational prediction suggests that this variant may have deleterious impact on protein structure and function (internally defined REVEL score threshold >= 0.7, PMID: 27666373). To our knowledge, functional studies have not been reported for this variant. This variant has not been reported in individuals affected with RYR2-related disorders in the literature. This variant has not been identified in the general population by the Genome Aggregation Database (gnomAD). The available evidence is insufficient to determine the role of this variant in disease conclusively. Therefore, this variant is classified as a Variant of Uncertain Significance.

This study involves interpretation of variants in research participants for the purpose of population health screening. Participant phenotype was not available at the time of variant classification. Additional details can be found in publication PMID: 35346344, PMCID: PMC8962531

Color Diagnostics, LLC DBA Color Health
Classification: Uncertain significance for Cardiomyopathy. Last evaluated: 2023-05-08. Review status: criteria provided, single submitter. Criteria: ACMG Guidelines, 2015. Collection method: clinical testing. Allele origin: germline.
Comment: This variant is located in the RYR2 protein. Computational prediction suggests that this variant may have deleterious impact on protein structure and function (internally defined REVEL score threshold >= 0.7, PMID: 27666373). To our knowledge, functional studies have not been reported for this variant. This variant has not been reported in individuals affected with RYR2-related disorders in the literature. This variant has not been identified in the general population by the Genome Aggregation Database (gnomAD). The available evidence is insufficient to determine the role of this variant in disease conclusively. Therefore, this variant is classified as a Variant of Uncertain Significance.